The following is an entry in ClinVar:

NM_153240.5(NPHP3):c.3129T>A (p.Tyr1043Ter)

Genes: NPHP3 (nephrocystin 3; minus strand), NPHP3-ACAD11 (NPHP3-ACAD11 readthrough (NMD candidate); minus strand). Cytogenetic location: 3q22.1.
Variant type: single nucleotide variant.
Coding change: c.3129T>A on transcript NM_153240.5 (MANE Select); coding-DNA position 3129, T replaced by A.
Protein change: p.Tyr1043Ter; replaces tyrosine 1043 with a stop codon.
Molecular consequence: nonsense. On other transcripts: non-coding transcript variant (1).
Genome position (GRCh38, 1-based): chr3:132,687,223, A>T on the plus strand (T>A on the coding strand, the complement: NPHP3 is on the minus strand). VCF-style: chr3-132687223-A-T. GRCh37 (hg19) VCF-style: chr3-132406067-A-T.
Other names: short protein forms Y1043*.
Identifiers: ClinVar variation 570632 (VCV000570632.10), dbSNP rs758238787, ClinGen allele CA354579706.

ClinVar aggregate classification (germline): Pathogenic/Likely pathogenic. Review status: criteria provided, multiple submitters, no conflicts (2 of 4 stars). 3 submissions from 3 submitters: Pathogenic (1); Likely pathogenic (2). Last evaluated 2024-04-26.

Conditions:
Nephronophthisis. Also called: Juvenile Nephronophthisis. Identifiers: Orphanet 655, MedGen C0687120, MONDO:0019005, HP:0000090.
NPHP3-related disorder. Also called: NPHP3-related disorders; NPHP3-related condition. Identifiers: MedGen CN379163.

Submissions (3):

Blueprint Genetics
Classification: Likely pathogenic for NPHP3-related disorders. Last evaluated: 2024-04-26. Review status: criteria provided, single submitter. Criteria: ACMG Guidelines, 2015. Collection method: clinical testing. Allele origin: germline. Affected: yes. Observed: 5 variant alleles.

PreventionGenetics, part of Exact Sciences
Classification: Likely pathogenic for NPHP3-related condition. Last evaluated: 2022-09-09. Review status: criteria provided, single submitter. Criteria: ACMG Guidelines, 2015. Collection method: clinical testing. Allele origin: germline.
Comment: The NPHP3 c.3129T>A variant is predicted to result in premature protein termination (p.Tyr1043*). To our knowledge, this variant has not been reported in the literature or in a large population database, indicating this variant is rare. Nonsense variants in NPHP3 are expected to be pathogenic. This variant is interpreted as likely pathogenic.

Labcorp Genetics (formerly Invitae), Labcorp
Classification: Pathogenic for Nephronophthisis. Last evaluated: 2021-02-24. Review status: criteria provided, single submitter. Criteria: Invitae Variant Classification Sherloc (09022015). Collection method: clinical testing. Allele origin: germline.
Comment: This sequence change creates a premature translational stop signal (p.Tyr1043*) in the NPHP3 gene. It is expected to result in an absent or disrupted protein product. Loss-of-function variants in NPHP3 are known to be pathogenic (PMID: 23559409). For these reasons, this variant has been classified as Pathogenic. This variant is not present in population databases (ExAC no frequency). This variant has not been reported in the literature in individuals with NPHP3-related disease.

Literature cited by the submitters: PubMed 23559409 (cited by Labcorp Genetics (formerly Invitae), Labcorp).